The following is an entry in ClinVar:

ClinVar aggregate classification (germline): Conflicting classifications of pathogenicity. Review status: criteria provided, conflicting classifications (1 of 4 stars). 5 submissions from 5 submitters: Uncertain significance (4); Likely benign (1). Last evaluated 2026-03-03.

Conditions:
Spondylometaphyseal dysplasia - Sutcliffe type. Also called: Spondylometaphyseal Dysplasia, Corner Fracture Type; Spondylometaphyseal dysplasia, 'corner fracture' type; Sutcliffe type of spondylometaphyseal dysplasia; Sutcliffe SMD. Identifiers: Orphanet 93315, MedGen C0432221, MONDO:0008479, OMIM 184255.
Glomerulopathy with fibronectin deposits 2 (GFND2). Identifiers: Orphanet 84090, MedGen C1866075, MONDO:0011165, OMIM 601894.
FN1-related disorder. Also called: FN1-related condition.
Inborn genetic diseases. Identifiers: MedGen C0950123, MeSH D030342.

Allele frequency attached by ClinVar (database versions not stated): gnomAD 0.00004; gnomAD exomes 0.00001; TOPMed 0.00002.
gnomAD v4.1: 46 of 1,614,192 alleles (0.0028%); highest among the groups gnomAD compares: African/African-American, 0.031%; 1 homozygote.

Submissions (5):

GeneDx
Classification: Uncertain significance. Last evaluated: 2026-03-03. Review status: criteria provided, single submitter. Criteria: GeneDx Variant Classification Process June 2021. Collection method: clinical testing. Allele origin: germline.
Comment: In silico analysis suggests that this missense variant does not alter protein structure/function; Has not been previously published as pathogenic or benign to our knowledge

PreventionGenetics, part of Exact Sciences
Classification: Uncertain significance for FN1-related condition. Last evaluated: 2025-10-24. Review status: criteria provided, single submitter. Criteria: ACMG Guidelines, 2015. Collection method: clinical testing. Allele origin: germline.
Comment: The FN1 c.6466A>G variant is predicted to result in the amino acid substitution p.Thr2156Ala. To our knowledge, this variant has not been reported in the literature. This variant is reported in 0.0080% of alleles in individuals of African descent in gnomAD. Although we suspect that this variant may be benign, at this time, the clinical significance of this variant is uncertain due to the absence of conclusive functional and genetic evidence.

Ambry Genetics
Classification: Likely benign for Inborn genetic diseases. Last evaluated: 2025-07-31. Review status: criteria provided, single submitter. Criteria: Ambry Variant Classification Scheme 2023. Collection method: clinical testing. Allele origin: germline.

Labcorp Genetics (formerly Invitae), Labcorp
Classification: Uncertain significance. Last evaluated: 2025-07-22. Review status: criteria provided, single submitter. Criteria: Invitae Variant Classification Sherloc (09022015). Collection method: clinical testing. Allele origin: germline.
Comment: This sequence change replaces threonine, which is neutral and polar, with alanine, which is neutral and non-polar, at codon 2156 of the FN1 protein (p.Thr2156Ala). The frequency data for this variant in the population databases is considered unreliable, as metrics indicate poor data quality at this position in the gnomAD database. This variant has not been reported in the literature in individuals affected with FN1-related conditions. ClinVar contains an entry for this variant (Variation ID: 1990994). An algorithm developed to predict the effect of missense changes on protein structure and function outputs the following: PolyPhen-2: "Benign". The alanine amino acid residue is found in multiple mammalian species, which suggests that this missense change does not adversely affect protein function. In summary, the available evidence is currently insufficient to determine the role of this variant in disease. Therefore, it has been classified as a Variant of Uncertain Significance.

Fulgent Genetics
Classification: Uncertain significance for Spondylometaphyseal dysplasia - Sutcliffe type; Glomerulopathy with fibronectin deposits 2. Last evaluated: 2024-02-09. Review status: criteria provided, single submitter. Criteria: ACMG Guidelines, 2015. Collection method: clinical testing. Allele origin: germline.

NM_212482.4(FN1):c.6466A>G (p.Thr2156Ala)

Gene: FN1 (fibronectin 1; minus strand). Cytogenetic location: 2q35.
Variant type: single nucleotide variant.
Coding change: c.6466A>G on transcript NM_212482.4 (MANE Select); coding-DNA position 6466, A replaced by G.
Protein change: p.Thr2156Ala; replaces threonine 2156 with alanine.
Molecular consequence: missense variant. On other transcripts: intron variant (3).
Genome position (GRCh38, 1-based): chr2:215,372,157, T>C on the plus strand (A>G on the coding strand, the complement: FN1 is on the minus strand). VCF-style: chr2-215372157-T-C. GRCh37 (hg19) VCF-style: chr2-216236880-T-C.
Other names: c.6466A>G, p.Thr2156Ala (NM_001306129.2); c.5923A>G, p.Thr1975Ala (NM_001306131.2, NM_212476.3); c.5848A>G, p.Thr1950Ala (NM_001306132.2, NM_001365523.2); c.6196A>G, p.Thr2066Ala (NM_001365517.2, NM_001365521.2); c.6193A>G, p.Thr2065Ala (NM_001365518.2, NM_002026.4); c.6121A>G, p.Thr2041Ala (NM_001365519.2, NM_001365522.2); c.6118A>G, p.Thr2040Ala (NM_001365520.2, NM_212478.3); c.5705-142A>G (NM_212474.3); and 3 more; short protein forms T1950A, T2156A, T1975A, T2040A, T2066A, T2041A, T2065A.
Identifiers: ClinVar variation 1990994 (VCV001990994.7), dbSNP rs111523341, ClinGen allele CA64845303.